The following is an entry in ClinVar:

ClinVar aggregate classification (germline): Uncertain significance (1 of 4 stars; one submission).

Allele frequency attached by ClinVar (database versions not stated): gnomAD 0.00003 and 0.00004; gnomAD exomes 0.00004 and 0.00010; TOPMed 0.00006; ESP Exome Variant Server 0.00008; ExAC 0.00013; 1000 Genomes Project 30x 0.00031; 1000 Genomes Project 0.00040.
gnomAD v4.1: 64 of 1,614,114 alleles (0.004%); highest among the groups gnomAD compares: South Asian, 0.047%; 1 homozygote.

Submission:

Labcorp Genetics (formerly Invitae), Labcorp
Classification: Uncertain significance. Last evaluated: 2025-10-14. Review status: criteria provided, single submitter. Criteria: Invitae Variant Classification Sherloc (09022015). Collection method: clinical testing. Allele origin: germline.
Comment: This sequence change falls in intron 5 of the ANKH gene. It does not directly change the encoded amino acid sequence of the ANKH protein. It affects a nucleotide within the consensus splice site. This variant is present in population databases (rs370206735, gnomAD 0.06%), and has an allele count higher than expected for a pathogenic variant. This variant has not been reported in the literature in individuals affected with ANKH-related conditions. ClinVar contains an entry for this variant (Variation ID: 1374855). Variants that disrupt the consensus splice site are a relatively common cause of aberrant splicing (PMID: 17576681, 9536098). Algorithms developed to predict the effect of sequence changes on RNA splicing suggest that this variant is not likely to affect RNA splicing. In summary, the available evidence is currently insufficient to determine the role of this variant in disease. Therefore, it has been classified as a Variant of Uncertain Significance.

Literature cited by the submitters: PubMed 17576681; PubMed 9536098.

NM_054027.6(ANKH):c.687+4C>T

Gene: ANKH (ANKH inorganic pyrophosphate transport regulator; minus strand). Cytogenetic location: 5p15.2.
Variant type: single nucleotide variant.
Coding change: c.687+4C>T on transcript NM_054027.6 (MANE Select); 4 bases into the intron after coding-DNA position 687, C replaced by T.
Molecular consequence: intron variant.
Genome position (GRCh38, 1-based): chr5:14,751,065, G>A on the plus strand (C>T on the coding strand, the complement: ANKH is on the minus strand). VCF-style: chr5-14751065-G-A. GRCh37 (hg19) VCF-style: chr5-14751174-G-A.
Identifiers: ClinVar variation 1374855 (VCV001374855.6), dbSNP rs370206735, ClinGen allele CA3209054.